The following is an entry in ClinVar:

ClinVar aggregate classification (germline): Conflicting classifications of pathogenicity. Review status: criteria provided, conflicting classifications (1 of 4 stars). 3 submissions from 3 submitters: Uncertain significance (2); Likely benign (1). Last evaluated 2024-12-12.

Conditions:
Cenani-Lenz syndactyly syndrome. Also called: SYNDACTYLY, TYPE VII; CENANI SYNDACTYLISM. Identifiers: Orphanet 3258, MedGen C1859309, MONDO:0008931, OMIM 212780.
Sclerosteosis 2 (SOST2). Identifiers: Orphanet 3152, MedGen C3280402, MONDO:0013679, OMIM 614305.
Congenital myasthenic syndrome 17. Identifiers: Orphanet 590, MedGen C4225377, MONDO:0014578, OMIM 616304.
Inborn genetic diseases. Identifiers: MedGen C0950123, MeSH D030342.

Allele frequency attached by ClinVar (database versions not stated): gnomAD 0.00001 and 0.00002; gnomAD exomes 0.00001; TOPMed 0.00002; ExAC 0.00003.
gnomAD v4.1: 22 of 1,612,882 alleles (0.0014%); highest among the groups gnomAD compares: African/African-American, 0.0027%; 1 homozygote.

Submissions (3):

Labcorp Genetics (formerly Invitae), Labcorp
Classification: Uncertain significance for Cenani-Lenz syndactyly syndrome; Sclerosteosis 2; Congenital myasthenic syndrome 17. Last evaluated: 2024-12-12. Review status: criteria provided, single submitter. Criteria: Invitae Variant Classification Sherloc (09022015). Collection method: clinical testing. Allele origin: germline.
Comment: This sequence change replaces threonine, which is neutral and polar, with methionine, which is neutral and non-polar, at codon 392 of the LRP4 protein (p.Thr392Met). This variant is present in population databases (rs776484311, gnomAD 0.02%). This variant has not been reported in the literature in individuals affected with LRP4-related conditions. ClinVar contains an entry for this variant (Variation ID: 582098). An algorithm developed to predict the effect of missense changes on protein structure and function outputs the following: PolyPhen-2: "Possibly Damaging". The methionine amino acid residue is found in multiple mammalian species, which suggests that this missense change does not adversely affect protein function. In summary, the available evidence is currently insufficient to determine the role of this variant in disease. Therefore, it has been classified as a Variant of Uncertain Significance.

Ambry Genetics
Classification: Likely benign for Inborn genetic diseases. Last evaluated: 2024-03-25. Review status: criteria provided, single submitter. Criteria: Ambry Variant Classification Scheme 2023. Collection method: clinical testing. Allele origin: germline.

Fulgent Genetics
Classification: Uncertain significance for Cenani-Lenz syndactyly syndrome; Sclerosteosis 2; Congenital myasthenic syndrome 17. Last evaluated: 2022-04-26. Review status: criteria provided, single submitter. Criteria: ACMG Guidelines, 2015. Collection method: clinical testing. Allele origin: unknown.

NM_002334.4(LRP4):c.1175C>T (p.Thr392Met)

Gene: LRP4 (LDL receptor related protein 4; minus strand). Cytogenetic location: 11p11.2.
Variant type: single nucleotide variant.
Coding change: c.1175C>T on transcript NM_002334.4 (MANE Select); coding-DNA position 1175, C replaced by T.
Protein change: p.Thr392Met; replaces threonine 392 with methionine.
Molecular consequence: missense variant.
Genome position (GRCh38, 1-based): chr11:46,895,892, G>A on the plus strand (C>T on the coding strand, the complement: LRP4 is on the minus strand). VCF-style: chr11-46895892-G-A. GRCh37 (hg19) VCF-style: chr11-46917443-G-A.
Other names: short protein forms T392M.
Identifiers: ClinVar variation 582098 (VCV000582098.5), dbSNP rs776484311, ClinGen allele CA5970251.